The following is an entry in ClinVar:

NM_198904.4(GABRG2):c.451T>G (p.Phe151Val)

Gene: GABRG2 (gamma-aminobutyric acid type A receptor subunit gamma2; plus strand). Cytogenetic location: 5q34.
Variant type: single nucleotide variant.
Coding change: c.451T>G on transcript NM_198904.4 (MANE Select); coding-DNA position 451, T replaced by G.
Protein change: p.Phe151Val; replaces phenylalanine 151 with valine.
Molecular consequence: missense variant.
Genome position (GRCh38, 1-based): chr5:162,097,761, T>G. VCF-style: chr5-162097761-T-G. GRCh37 (hg19) VCF-style: chr5-161524767-T-G.
Other names: c.451T>G, p.Phe151Val (NM_000816.3, NM_001375340.1, NM_001375341.1 and 4 more transcripts); c.442T>G, p.Phe148Val (NM_001375339.1); c.385T>G, p.Phe129Val (NM_001375345.1, NM_001375346.1); c.364T>G, p.Phe122Val (NM_001375347.1); c.31T>G, p.Phe11Val (NM_001375348.1, NM_001375350.1); c.166T>G, p.Phe56Val (NM_001375349.1); short protein forms F122V, F148V, F151V, F129V, F11V, F56V.
Identifiers: ClinVar variation 1466766 (VCV001466766.8), dbSNP rs2113326347, ClinGen allele CA362184213.

ClinVar aggregate classification (germline): Uncertain significance (1 of 4 stars; one submission).

Conditions:
EPILEPSY, CHILDHOOD ABSENCE, SUSCEPTIBILITY TO, 2 (ECA2). Identifiers: Orphanet 64280, MedGen C1843244, OMIM 607681.
Febrile seizures, familial, 8 (FEB8). Also called: CONVULSIONS, FAMILIAL FEBRILE, 8. Identifiers: Orphanet 36387, MedGen C1969810, MONDO:0011891, OMIM 607681.

Submission:

Labcorp Genetics (formerly Invitae), Labcorp
Classification: Uncertain significance for Febrile seizures, familial, 8; EPILEPSY, CHILDHOOD ABSENCE, SUSCEPTIBILITY TO, 2. Last evaluated: 2022-02-03. Review status: criteria provided, single submitter. Criteria: Invitae Variant Classification Sherloc (09022015). Collection method: clinical testing. Allele origin: germline.
Comment: This variant is not present in population databases (gnomAD no frequency). In summary, the available evidence is currently insufficient to determine the role of this variant in disease. Therefore, it has been classified as a Variant of Uncertain Significance. Advanced modeling of protein sequence and biophysical properties (such as structural, functional, and spatial information, amino acid conservation, physicochemical variation, residue mobility, and thermodynamic stability) performed at Invitae indicates that this missense variant is expected to disrupt GABRG2 protein function. This variant has not been reported in the literature in individuals affected with GABRG2-related conditions. This sequence change replaces phenylalanine, which is neutral and non-polar, with valine, which is neutral and non-polar, at codon 151 of the GABRG2 protein (p.Phe151Val).